The following is an entry in ClinVar:

ClinVar aggregate classification (germline): Uncertain significance (1 of 4 stars; one submission).

Conditions:
Developmental and epileptic encephalopathy, 9 (DEE9). Also called: Early infantile epileptic encephalopathy 9; EPILEPSY, FEMALE-RESTRICTED, WITH MENTAL RETARDATION; JUBERG-HELLMAN SYNDROME; PCDH19-Related X-Linked Female-Limited Epilepsy with Mental Retardation. Identifiers: Orphanet 101039, Orphanet 2076, MedGen C1848137, MONDO:0010246, OMIM 300088. Disease mechanism: loss of function.

Submission:

Labcorp Genetics (formerly Invitae), Labcorp
Classification: Uncertain significance for Developmental and epileptic encephalopathy, 9. Last evaluated: 2023-04-01. Review status: criteria provided, single submitter. Criteria: Invitae Variant Classification Sherloc (09022015). Collection method: clinical testing. Allele origin: germline.
Comment: In summary, the available evidence is currently insufficient to determine the role of this variant in disease. Therefore, it has been classified as a Variant of Uncertain Significance. Advanced modeling of protein sequence and biophysical properties (such as structural, functional, and spatial information, amino acid conservation, physicochemical variation, residue mobility, and thermodynamic stability) performed at Invitae indicates that this missense variant is not expected to disrupt PCDH19 protein function. ClinVar contains an entry for this variant (Variation ID: 2135303). This variant has not been reported in the literature in individuals affected with PCDH19-related conditions. This variant is not present in population databases (gnomAD no frequency). This sequence change replaces asparagine, which is neutral and polar, with histidine, which is basic and polar, at codon 800 of the PCDH19 protein (p.Asn800His).

NM_001184880.2(PCDH19):c.2398A>C (p.Asn800His)

Genes: PCDH19 (protocadherin 19; minus strand), LOC125467768 (CDK7 strongly-dependent group 2 enhancer GRCh37_chrX:99657381-99658580; plus strand). Cytogenetic location: Xq22.1.
Variant type: single nucleotide variant.
Coding change: c.2398A>C on transcript NM_001184880.2 (MANE Select); coding-DNA position 2398, A replaced by C.
Protein change: p.Asn800His; replaces asparagine 800 with histidine.
Molecular consequence: missense variant.
Genome position (GRCh38, 1-based): chrX:100,402,742, T>G on the plus strand (A>C on the coding strand, the complement: PCDH19 is on the minus strand). VCF-style: chrX-100402742-T-G. GRCh37 (hg19) VCF-style: chrX-99657740-T-G.
Other names: c.2257A>C, p.Asn753His (NM_001105243.2, NM_020766.3); short protein forms N753H, N800H.
Identifiers: ClinVar variation 2135303 (VCV002135303.4), dbSNP rs2520956920, ClinGen allele CA414005971.